The following is an entry in ClinVar:

NM_001040142.2(SCN2A):c.4498G>A (p.Ala1500Thr)

Gene: SCN2A (sodium voltage-gated channel alpha subunit 2; plus strand). Cytogenetic location: 2q24.3.
Variant type: single nucleotide variant.
Coding change: c.4498G>A on transcript NM_001040142.2 (MANE Select); coding-DNA position 4498, G replaced by A.
Protein change: p.Ala1500Thr; replaces alanine 1500 with threonine.
Molecular consequence: missense variant.
Genome position (GRCh38, 1-based): chr2:165,381,144, G>A. VCF-style: chr2-165381144-G-A. GRCh37 (hg19) VCF-style: chr2-166237654-G-A.
Other names: c.4498G>A, p.Ala1500Thr (NM_001040143.2, NM_001371246.1, NM_001371247.1 and 1 more transcripts); short protein forms A1500T.
Identifiers: ClinVar variation 1342674 (VCV001342674.4), dbSNP rs2105385811, ClinGen allele CA349034751.

ClinVar aggregate classification (germline): Pathogenic. Review status: criteria provided, single submitter (1 of 4 stars). 3 submissions from 2 submitters: Pathogenic (1). 2 of the submissions do not count toward it. Last evaluated 2025-08-04.

Conditions:
West syndrome. Also called: Infantile epileptic spasms syndrome. Identifiers: Orphanet 3451, Orphanet 697160, MedGen C0037769, MONDO:0018097. Disease mechanism: loss of function.
Developmental and epileptic encephalopathy, 11 (DEE11). Also called: Early infantile epileptic encephalopathy 11. Identifiers: Orphanet 1934, MedGen C3150987, MONDO:0013388, OMIM 613721.
Seizures, benign familial infantile, 3 (BFIS3). Also called: CONVULSIONS, BENIGN FAMILIAL INFANTILE, 3; Familial neonatal seizures. Identifiers: Orphanet 140927, Orphanet 306, MedGen C1843140, MONDO:0011904, OMIM 607745.
Developmental and epileptic encephalopathy. Identifiers: MedGen C5779964, MONDO:0100620.

Submissions (3):

Labcorp Genetics (formerly Invitae), Labcorp
Classification: Pathogenic for Seizures, benign familial infantile, 3; Developmental and epileptic encephalopathy, 11. Last evaluated: 2025-08-04. Review status: criteria provided, single submitter. Criteria: Invitae Variant Classification Sherloc (09022015). Collection method: clinical testing. Allele origin: germline.
Comment: This sequence change replaces alanine, which is neutral and non-polar, with threonine, which is neutral and polar, at codon 1500 of the SCN2A protein (p.Ala1500Thr). This variant is not present in population databases (gnomAD no frequency). This missense change has been observed in individual(s) with SCN2A-related conditions (PMID: 28379373, 35431799). In at least one individual the variant was observed to be de novo. ClinVar contains an entry for this variant (Variation ID: 1342674). Invitae Evidence Modeling of protein sequence and biophysical properties (such as structural, functional, and spatial information, amino acid conservation, physicochemical variation, residue mobility, and thermodynamic stability) indicates that this missense variant is expected to disrupt SCN2A protein function with a positive predictive value of 95%. For these reasons, this variant has been classified as Pathogenic.

Neurology Department, Shenzhen Children's Hospital
Classification: Pathogenic. Last evaluated: 2022-02-16. Review status: no assertion criteria provided. Collection method: clinical testing. Allele origin: de novo. Affected: yes. Not counted in ClinVar's aggregate classification.

Neurology Department, Shenzhen Children's Hospital
Classification: Pathogenic for Early-infantile DEE. Last evaluated: 2022-02-16. Review status: no assertion criteria provided. Collection method: clinical testing. Allele origin: de novo. Affected: yes. Not counted in ClinVar's aggregate classification.

Literature cited by the submitters: PubMed 28379373 (cited by Labcorp Genetics (formerly Invitae), Labcorp); PubMed 35431799 (cited by Labcorp Genetics (formerly Invitae), Labcorp).